The following is an entry in ClinVar:

NM_014362.4(HIBCH):c.532G>A (p.Val178Met)

Gene: HIBCH (3-hydroxyisobutyryl-CoA hydrolase; minus strand). Cytogenetic location: 2q32.2.
Variant type: single nucleotide variant.
Coding change: c.532G>A on transcript NM_014362.4 (MANE Select); coding-DNA position 532, G replaced by A.
Protein change: p.Val178Met; replaces valine 178 with methionine.
Molecular consequence: missense variant.
Genome position (GRCh38, 1-based): chr2:190,252,293, C>T on the plus strand (G>A on the coding strand, the complement: HIBCH is on the minus strand). VCF-style: chr2-190252293-C-T. GRCh37 (hg19) VCF-style: chr2-191117019-C-T.
Other names: p.Val178Met; c.532G>A, p.Val178Met (NM_198047.3); short protein forms V178M.
Identifiers: ClinVar variation 4540789 (VCV004540789.1).

ClinVar aggregate classification (germline): Uncertain significance (1 of 4 stars; one submission).

Submission:

Mayo Clinic Laboratories, Mayo Clinic
Classification: Uncertain significance. Last evaluated: 2025-09-18. Review status: criteria provided, single submitter. Criteria: ACMG Guidelines, 2015. Collection method: clinical testing. Allele origin: germline. Observed: 1 variant allele.
Comment: PP3, PM2_supporting